The following is an entry in ClinVar:

ClinVar aggregate classification (germline): Conflicting classifications of pathogenicity. Review status: criteria provided, conflicting classifications (1 of 4 stars). 2 submissions from 2 submitters: Uncertain significance (1); Likely benign (1). Last evaluated 2024-09-23.

Conditions:
Autosomal dominant limb-girdle muscular dystrophy type 1F (LGMDD2). Also called: MUSCULAR DYSTROPHY, LIMB-GIRDLE, AUTOSOMAL DOMINANT 2; Limb-girdle muscular dystrophy, type 1F. Identifiers: Orphanet 55595, MedGen C1842062, MONDO:0012034, OMIM 608423.

Allele frequency attached by ClinVar (database versions not stated): TOPMed 0.00002.
gnomAD v4.1: 20 of 1,570,606 alleles (0.0013%); highest among the groups gnomAD compares: Non-Finnish European, 0.0014%; no homozygotes.

Submissions (2):

Labcorp Genetics (formerly Invitae), Labcorp
Classification: Uncertain significance for Autosomal dominant limb-girdle muscular dystrophy type 1F. Last evaluated: 2024-09-23. Review status: criteria provided, single submitter. Criteria: Invitae Variant Classification Sherloc (09022015). Collection method: clinical testing. Allele origin: germline.
Comment: This sequence change falls in intron 10 of the TNPO3 gene. It does not directly change the encoded amino acid sequence of the TNPO3 protein. This variant is present in population databases (no rsID available, gnomAD 0.001%). This variant has not been reported in the literature in individuals affected with TNPO3-related conditions. Algorithms developed to predict the effect of sequence changes on RNA splicing suggest that this variant may create or strengthen a splice site. In summary, the available evidence is currently insufficient to determine the role of this variant in disease. Therefore, it has been classified as a Variant of Uncertain Significance.

Blueprint Genetics
Classification: Likely benign. Last evaluated: 2023-10-05. Review status: criteria provided, single submitter. Criteria: ACMG Guidelines, 2015. Collection method: clinical testing. Allele origin: germline.

NM_012470.4(TNPO3):c.1358+12A>G

Gene: TNPO3 (transportin 3; minus strand). Cytogenetic location: 7q32.1.
Variant type: single nucleotide variant.
Coding change: c.1358+12A>G on transcript NM_012470.4 (MANE Select); 12 bases into the intron after coding-DNA position 1358, A replaced by G.
Molecular consequence: intron variant.
Genome position (GRCh38, 1-based): chr7:128,991,987, T>C on the plus strand (A>G on the coding strand, the complement: TNPO3 is on the minus strand). VCF-style: chr7-128991987-T-C. GRCh37 (hg19) VCF-style: chr7-128632041-T-C.
Other names: c.1214+12A>G (NM_001382221.1); c.1211+12A>G (NM_001382222.1); c.1250+12A>G (NM_001382219.1); c.1358+12A>G (NM_001382223.1, NM_001191028.3, NM_001382220.1 and 2 more transcripts); c.1439+12A>G (NM_001382217.1).
Identifiers: ClinVar variation 2733389 (VCV002733389.4), dbSNP rs746455886, ClinGen allele CA457584011.